The following is an entry in ClinVar:

ClinVar aggregate classification (germline): Likely pathogenic (1 of 4 stars; one submission).

Conditions:
Autosomal recessive limb-girdle muscular dystrophy type 2J (LGMDR10). Also called: Limb-girdle muscular dystrophy, type 2J; MUSCULAR DYSTROPHY, LIMB-GIRDLE, AUTOSOMAL RECESSIVE 10. Identifiers: Orphanet 140922, MedGen C1837342, MONDO:0012127, OMIM 608807.
Dilated cardiomyopathy 1G (CMD1G). Identifiers: Orphanet 154, MedGen C1858763, MONDO:0011400, OMIM 604145.

Submission:

Labcorp Genetics (formerly Invitae), Labcorp
Classification: Likely pathogenic for Dilated cardiomyopathy 1G; Autosomal recessive limb-girdle muscular dystrophy type 2J. Last evaluated: 2023-11-27. Review status: criteria provided, single submitter. Criteria: Invitae Variant Classification Sherloc (09022015). Collection method: clinical testing. Allele origin: germline.
Comment: This sequence change creates a premature translational stop signal (p.Lys21482Glufs*6) in the TTN gene. While this is not anticipated to result in nonsense mediated decay, it is expected to create a truncated TTN protein. This variant is not present in population databases (gnomAD no frequency). This premature translational stop signal has been observed in individual(s) with dilated cardiomyopathy (Invitae). This variant is located in the A band of TTN (PMID: 25589632). Truncating variants in this region are significantly overrepresented in patients affected with dilated cardiomyopathy (PMID: 25589632). Truncating variants in this region have also been reported in individuals affected with autosomal recessive centronuclear myopathy (PMID: 23975875). In summary, the currently available evidence indicates that the variant is pathogenic, but additional data are needed to prove that conclusively. Therefore, this variant has been classified as Likely Pathogenic.

Literature cited by the submitters: PubMed 25589632; PubMed 23975875.

NM_001267550.2(TTN):c.64443dup (p.Lys21482fs)

Genes: TTN (titin; minus strand), TTN-AS1 (TTN antisense RNA 1; plus strand). Cytogenetic location: 2q31.2.
Variant type: Duplication.
Coding change: c.64443dup on transcript NM_001267550.2 (MANE Select); coding-DNA position 64443, one base duplicated (G; older notation c.64443dupG).
Protein change: p.Lys21482fs; shifts the reading frame from lysine 21482.
Molecular consequence: frameshift variant.
Genome position (GRCh38, 1-based): chr2:178,585,301, C duplicated on the plus strand (G on the coding strand, the reverse complement: TTN is on the minus strand); the first of 3 consecutive C bases (chr2:178,585,301-178,585,303); duplicating any one gives the same sequence. VCF-style (leftmost placement, unchanged base first): chr2-178585300-T-TC. GRCh37 (hg19) VCF-style: chr2-179450027-T-TC.
Other names: c.59520dup, p.Lys19841fs (NM_001256850.1); c.37248dup, p.Lys12417fs (NM_003319.4); c.56739dup, p.Lys18914fs (NM_133378.4); c.37623dup, p.Lys12542fs (NM_133432.3); c.37824dup, p.Lys12609fs (NM_133437.4); short protein forms K12542fs, K12609fs, K18914fs, K21482fs, K12417fs, K19841fs.
Identifiers: ClinVar variation 2954062 (VCV002954062.3), dbSNP rs2469179791, ClinGen allele CA2740096066.